The following is an entry in ClinVar:

ClinVar aggregate classification (germline): Conflicting classifications of pathogenicity. Review status: criteria provided, conflicting classifications (1 of 4 stars). 3 submissions from 3 submitters: Uncertain significance (2); Likely benign (1). Last evaluated 2026-04-27.

Conditions:
Bethlem myopathy 1A. Also called: Bethlem Muscular Dystrophy; MYOPATHY, BENIGN CONGENITAL, WITH CONTRACTURES; Bethlem myopathy 1. Identifiers: Orphanet 610, MedGen CN029274, MONDO:0024530, OMIM 158810.
Dystonia 27 (DYT27). Identifiers: Orphanet 464440, MedGen C4225336, MONDO:0014627, OMIM 616411.

Allele frequency attached by ClinVar (database versions not stated): TOPMed 0.00002; gnomAD 0.00004; gnomAD exomes 0.00009 and 0.00017; ExAC 0.00019; 1000 Genomes Project 30x 0.00047; 1000 Genomes Project 0.00060.
gnomAD v4.1: 142 of 1,613,916 alleles (0.0088%); highest among the groups gnomAD compares: South Asian, 0.15%; 2 homozygotes.

Submissions (3):

Women's Health and Genetics/Laboratory Corporation of America, LabCorp
Classification: Uncertain significance. Last evaluated: 2026-04-27. Review status: criteria provided, single submitter. Criteria: LabCorp Variant Classification Summary - May 2015. Collection method: clinical testing. Allele origin: germline.
Comment: Variant summary: COL6A3 c.7051A>C (p.Ile2351Leu) results in a conservative amino acid change in the encoded protein sequence. Algorithms developed to predict the effect of missense changes on protein structure and function all suggest that this variant is likely to be tolerated. The variant allele was found at a frequency of 0.00017 in 251488 control chromosomes in the gnomAD database, including 1 homozygote. This frequency is not significantly higher than estimated for disease-causing variants in COL6A3, allowing no conclusion about variant significance. To our knowledge, no occurrence of c.7051A>C in individuals affected with COL6A3-related conditions and no experimental evidence demonstrating its impact on protein function have been reported. ClinVar contains an entry for this variant (Variation ID: 1575428). Based on the evidence outlined above, the variant was classified as uncertain significance.

Labcorp Genetics (formerly Invitae), Labcorp
Classification: Likely benign for Bethlem myopathy 1A. Last evaluated: 2026-01-21. Review status: criteria provided, single submitter. Criteria: Invitae Variant Classification Sherloc (09022015). Collection method: clinical testing. Allele origin: germline.

Department of Pathology and Laboratory Medicine, Sinai Health System
Classification: Uncertain significance for dystonia 27. Last evaluated: 2020-07-21. Review status: criteria provided, single submitter. Criteria: ACMG Guidelines, 2015. Collection method: research. Allele origin: germline.

NM_004369.4(COL6A3):c.7051A>C (p.Ile2351Leu)

Gene: COL6A3 (collagen type VI alpha 3 chain; minus strand). Cytogenetic location: 2q37.3.
Variant type: single nucleotide variant.
Coding change: c.7051A>C on transcript NM_004369.4 (MANE Select); coding-DNA position 7051, A replaced by C.
Protein change: p.Ile2351Leu; replaces isoleucine 2351 with leucine.
Molecular consequence: missense variant.
Genome position (GRCh38, 1-based): chr2:237,346,544, T>G on the plus strand (A>C on the coding strand, the complement: COL6A3 is on the minus strand). VCF-style: chr2-237346544-T-G. GRCh37 (hg19) VCF-style: chr2-238255187-T-G.
Other names: c.5230A>C, p.Ile1744Leu (NM_057166.5); c.6433A>C, p.Ile2145Leu (NM_057167.4); short protein forms I1744L, I2145L, I2351L.
Identifiers: ClinVar variation 1575428 (VCV001575428.10), dbSNP rs557448772, ClinGen allele CA2187948.